The following is an entry in ClinVar:

NM_004260.4(RECQL4):c.3260C>G (p.Pro1087Arg)

Gene: RECQL4 (RecQ like helicase 4; minus strand). Cytogenetic location: 8q24.3.
Variant type: single nucleotide variant.
Coding change: c.3260C>G on transcript NM_004260.4 (MANE Select); coding-DNA position 3260, C replaced by G.
Protein change: p.Pro1087Arg; replaces proline 1087 with arginine.
Molecular consequence: missense variant. On other transcripts: non-coding transcript variant (3).
Genome position (GRCh38, 1-based): chr8:144,512,044, G>C on the plus strand (C>G on the coding strand, the complement: RECQL4 is on the minus strand). VCF-style: chr8-144512044-G-C. GRCh37 (hg19) VCF-style: chr8-145737427-G-C.
Other names: c.2966C>G, p.Pro989Arg (NM_001413017.1); c.3062C>G, p.Pro1021Arg (NM_001413018.1); c.3335C>G, p.Pro1112Arg (NM_001413019.1); c.3164C>G, p.Pro1055Arg (NM_001413020.1); c.2189C>G, p.Pro730Arg (NM_001413021.1, NM_001413022.1, NM_001413024.1 and 4 more transcripts); c.2264C>G, p.Pro755Arg (NM_001413023.1); c.3131C>G, p.Pro1044Arg (NM_001413025.1); c.2123C>G, p.Pro708Arg (NM_001413027.1, NM_001413030.1, NM_001413032.1); and 9 more; short protein forms P720R, P1044R, P664R, P730R, P1021R, P1087R, P708R, P755R.
Identifiers: ClinVar variation 3152841 (VCV003152841.2), dbSNP rs2537974335, ClinGen allele CA372669211.

ClinVar aggregate classification (germline): Uncertain significance (1 of 4 stars; one submission).

Conditions:
Inborn genetic diseases. Identifiers: MedGen C0950123, MeSH D030342.

Submission:

Ambry Genetics
Classification: Uncertain significance for Inborn genetic diseases. Last evaluated: 2024-12-01. Review status: criteria provided, single submitter. Criteria: Ambry Variant Classification Scheme 2023. Collection method: clinical testing. Allele origin: germline.
Comment: The p.P1087R variant (also known as c.3260C>G), located in coding exon 19 of the RECQL4 gene, results from a C to G substitution at nucleotide position 3260. The proline at codon 1087 is replaced by arginine, an amino acid with dissimilar properties. This amino acid position is conserved. In addition, this alteration is predicted to be tolerated by in silico analysis. Based on the available evidence, the clinical significance of this variant remains unclear.